The following is an entry in ClinVar:

NM_002336.3(LRP6):c.2603T>C (p.Ile868Thr)

Gene: LRP6 (LDL receptor related protein 6; minus strand). Cytogenetic location: 12p13.2.
Variant type: single nucleotide variant.
Coding change: c.2603T>C on transcript NM_002336.3 (MANE Select); coding-DNA position 2603, T replaced by C.
Protein change: p.Ile868Thr; replaces isoleucine 868 with threonine.
Molecular consequence: missense variant. On other transcripts: non-coding transcript variant (1).
Genome position (GRCh38, 1-based): chr12:12,159,017, A>G on the plus strand (T>C on the coding strand, the complement: LRP6 is on the minus strand). VCF-style: chr12-12159017-A-G. GRCh37 (hg19) VCF-style: chr12-12311951-A-G.
Other names: c.2603T>C, p.Ile868Thr (NM_001414244.1, NM_001414245.1, NM_001414246.1 and 4 more transcripts); c.2405T>C, p.Ile802Thr (NM_001414247.1); c.2150T>C, p.Ile717Thr (NM_001414252.1, NM_001414253.1, NM_001414254.1); c.2096T>C, p.Ile699Thr (NM_001414255.1); short protein forms I699T, I802T, I717T, I868T.
Identifiers: ClinVar variation 3639063 (VCV003639063.2).

ClinVar aggregate classification (germline): Uncertain significance (1 of 4 stars; one submission).

gnomAD v4.1: 4 of 1,614,180 alleles (0.00025%); highest among the groups gnomAD compares: South Asian, 0.0033%; 1 homozygote.

Submission:

Labcorp Genetics (formerly Invitae), Labcorp
Classification: Uncertain significance. Last evaluated: 2024-02-28. Review status: criteria provided, single submitter. Criteria: Invitae Variant Classification Sherloc (09022015). Collection method: clinical testing. Allele origin: germline.
Comment: This sequence change replaces isoleucine, which is neutral and non-polar, with threonine, which is neutral and polar, at codon 868 of the LRP6 protein (p.Ile868Thr). This variant is present in population databases (no rsID available, gnomAD 0.006%), including at least one homozygous and/or hemizygous individual. This variant has not been reported in the literature in individuals affected with LRP6-related conditions. Advanced modeling of protein sequence and biophysical properties (such as structural, functional, and spatial information, amino acid conservation, physicochemical variation, residue mobility, and thermodynamic stability) performed at Invitae indicates that this missense variant is not expected to disrupt LRP6 protein function with a negative predictive value of 80%. In summary, the available evidence is currently insufficient to determine the role of this variant in disease. Therefore, it has been classified as a Variant of Uncertain Significance.